The following is an entry in ClinVar:

ClinVar aggregate classification (germline): Uncertain significance. Review status: criteria provided, multiple submitters, no conflicts (2 of 4 stars). 4 submissions from 4 submitters: Uncertain significance (4). Last evaluated 2025-02-19.

Conditions:
POLE-related disorder. Also called: POLE-related condition; POLE-related disorders.
Hereditary cancer-predisposing syndrome. Also called: Tumor predisposition; Hereditary neoplastic syndrome; Hereditary Cancer Syndrome; Neoplastic Syndromes, Hereditary. Identifiers: Orphanet 140162, MedGen C0027672, MeSH D009386, MONDO:0015356.

Allele frequency attached by ClinVar (database versions not stated): gnomAD exomes below 0.00001 and 0.00001; gnomAD 0.00001; ExAC 0.00002.
gnomAD v4.1: 6 of 1,613,914 alleles (0.00037%); highest among the groups gnomAD compares: East Asian, 0.0022%; no homozygotes.

Submissions (4):

Ambry Genetics
Classification: Uncertain significance for Hereditary cancer-predisposing syndrome. Last evaluated: 2025-02-19. Review status: criteria provided, single submitter. Criteria: Ambry Variant Classification Scheme 2023. Collection method: clinical testing. Allele origin: germline.
Comment: The p.R1160H variant (also known as c.3479G>A), located in coding exon 29 of the POLE gene, results from a G to A substitution at nucleotide position 3479. The arginine at codon 1160 is replaced by histidine, an amino acid with highly similar properties. This amino acid position is highly conserved in available vertebrate species. In addition, the in silico prediction for this alteration is inconclusive. Based on the available evidence, the clinical significance of this variant remains unclear.

Labcorp Genetics (formerly Invitae), Labcorp
Classification: Uncertain significance. Last evaluated: 2024-10-01. Review status: criteria provided, single submitter. Criteria: Invitae Variant Classification Sherloc (09022015). Collection method: clinical testing. Allele origin: germline.
Comment: This sequence change replaces arginine, which is basic and polar, with histidine, which is basic and polar, at codon 1160 of the POLE protein (p.Arg1160His). This variant is present in population databases (rs757902862, gnomAD 0.006%). This variant has not been reported in the literature in individuals affected with POLE-related conditions. ClinVar contains an entry for this variant (Variation ID: 935372). Invitae Evidence Modeling of protein sequence and biophysical properties (such as structural, functional, and spatial information, amino acid conservation, physicochemical variation, residue mobility, and thermodynamic stability) indicates that this missense variant is expected to disrupt POLE protein function with a positive predictive value of 80%. In summary, the available evidence is currently insufficient to determine the role of this variant in disease. Therefore, it has been classified as a Variant of Uncertain Significance.

PreventionGenetics, part of Exact Sciences
Classification: Uncertain significance for POLE-related condition. Last evaluated: 2022-12-15. Review status: criteria provided, single submitter. Criteria: ACMG Guidelines, 2015. Collection method: clinical testing. Allele origin: germline.
Comment: The POLE c.3479G>A variant is predicted to result in the amino acid substitution p.Arg1160His. This variant has been reported in a sample from The Cancer Genome Atlas (TGCA; Table 2, Bourdais et al. 2022. PubMed ID: 28427513). This variant is reported in 0.0054% of alleles in individuals of East Asian descent in gnomAD. It is interpreted as uncertain significance in ClinVar. At this time, the clinical significance of this variant is uncertain due to the absence of conclusive functional and genetic evidence.

GeneDx
Classification: Uncertain significance. Last evaluated: 2021-03-30. Review status: criteria provided, single submitter. Criteria: GeneDx Variant Classification Process June 2021. Collection method: clinical testing. Allele origin: germline. Affected: yes.
Comment: Not observed at a significant frequency in large population cohorts (Lek 2016); In silico analysis supports that this missense variant has a deleterious effect on protein structure/function; Has not been previously published as pathogenic or benign to our knowledge; This variant is associated with the following publications: (PMID: 28427513)

NM_006231.4(POLE):c.3479G>A (p.Arg1160His)

Gene: POLE (DNA polymerase epsilon, catalytic subunit; minus strand). Cytogenetic location: 12q24.33.
Variant type: single nucleotide variant.
Coding change: c.3479G>A on transcript NM_006231.4 (MANE Select); coding-DNA position 3479, G replaced by A.
Protein change: p.Arg1160His; replaces arginine 1160 with histidine.
Molecular consequence: missense variant.
Genome position (GRCh38, 1-based): chr12:132,657,239, C>T on the plus strand (G>A on the coding strand, the complement: POLE is on the minus strand). VCF-style: chr12-132657239-C-T. GRCh37 (hg19) VCF-style: chr12-133233825-C-T.
Other names: short protein forms R1160H.
Identifiers: ClinVar variation 935372 (VCV000935372.13), dbSNP rs757902862, ClinGen allele CA6893201.